The following is an entry in ClinVar:

NM_000222.3(KIT):c.2111A>G (p.Lys704Arg)

Gene: KIT (KIT proto-oncogene, receptor tyrosine kinase; plus strand). Cytogenetic location: 4q12.
Variant type: single nucleotide variant.
Coding change: c.2111A>G on transcript NM_000222.3 (MANE Select); coding-DNA position 2111, A replaced by G.
Protein change: p.Lys704Arg; replaces lysine 704 with arginine.
Molecular consequence: missense variant.
Genome position (GRCh38, 1-based): chr4:54,729,455, A>G. VCF-style: chr4-54729455-A-G. GRCh37 (hg19) VCF-style: chr4-55595621-A-G.
Other names: c.2099A>G, p.Lys700Arg (NM_001093772.2, NM_001385286.1); c.2114A>G, p.Lys705Arg (NM_001385284.1, NM_001385290.1); c.2111A>G, p.Lys704Arg (NM_001385285.1); c.2102A>G, p.Lys701Arg (NM_001385288.1, NM_001385292.1); short protein forms K704R, K700R, K701R, K705R.
Identifiers: ClinVar variation 458905 (VCV000458905.12), dbSNP rs1553892256, ClinGen allele CA356909794.

ClinVar aggregate classification (germline): Uncertain significance. Review status: criteria provided, multiple submitters, no conflicts (2 of 4 stars). 2 submissions from 2 submitters: Uncertain significance (2). Last evaluated 2024-11-15.

Conditions:
Hereditary cancer-predisposing syndrome. Also called: Tumor predisposition; Hereditary neoplastic syndrome; Neoplastic Syndromes, Hereditary; Hereditary Cancer Syndrome. Identifiers: Orphanet 140162, MedGen C0027672, MeSH D009386, MONDO:0015356.
Gastrointestinal stromal tumor. Also called: Gastrointestinal stroma tumor; Gastrointestinal stromal tumor, somatic. Identifiers: Orphanet 44890, MedGen C0238198, MeSH D046152, MONDO:0011719, OMIM 606764, HP:0100723.

Allele frequency attached by ClinVar (database versions not stated): gnomAD exomes below 0.00001.
gnomAD v4.1: 1 of 1,613,674 alleles (0.000062%); highest among the groups gnomAD compares: Non-Finnish European, 0.000085%; no homozygotes.

Submissions (2):

Ambry Genetics
Classification: Uncertain significance for Hereditary cancer-predisposing syndrome. Last evaluated: 2024-11-15. Review status: criteria provided, single submitter. Criteria: Ambry Variant Classification Scheme 2023. Collection method: clinical testing. Allele origin: germline.
Comment: The p.K704R variant (also known as c.2111A>G), located in coding exon 14 of the KIT gene, results from an A to G substitution at nucleotide position 2111. The lysine at codon 704 is replaced by arginine, an amino acid with highly similar properties. This amino acid position is conserved. In addition, this alteration is predicted to be tolerated by in silico analysis. Based on the available evidence, the clinical significance of this variant remains unclear.

Labcorp Genetics (formerly Invitae), Labcorp
Classification: Uncertain significance for Gastrointestinal stromal tumor. Last evaluated: 2023-07-16. Review status: criteria provided, single submitter. Criteria: Invitae Variant Classification Sherloc (09022015). Collection method: clinical testing. Allele origin: germline.
Comment: This variant is not present in population databases (gnomAD no frequency). This sequence change replaces lysine, which is basic and polar, with arginine, which is basic and polar, at codon 704 of the KIT protein (p.Lys704Arg). This variant has not been reported in the literature in individuals affected with KIT-related conditions. In summary, the available evidence is currently insufficient to determine the role of this variant in disease. Therefore, it has been classified as a Variant of Uncertain Significance. An algorithm developed to predict the effect of missense changes on protein structure and function (PolyPhen-2) suggests that this variant is likely to be tolerated. ClinVar contains an entry for this variant (Variation ID: 458905).